The following is an entry in ClinVar:

NM_000081.4(LYST):c.3179A>G (p.Asp1060Gly)

Gene: LYST (lysosomal trafficking regulator; minus strand). Cytogenetic location: 1q42.3.
Variant type: single nucleotide variant.
Coding change: c.3179A>G on transcript NM_000081.4 (MANE Select); coding-DNA position 3179, A replaced by G.
Protein change: p.Asp1060Gly; replaces aspartic acid 1060 with glycine.
Molecular consequence: missense variant.
Genome position (GRCh38, 1-based): chr1:235,805,957, T>C on the plus strand (A>G on the coding strand, the complement: LYST is on the minus strand). VCF-style: chr1-235805957-T-C. GRCh37 (hg19) VCF-style: chr1-235969257-T-C.
Other names: c.3179A>G, p.Asp1060Gly (NM_001301365.1); short protein forms D1060G.
Identifiers: ClinVar variation 856925 (VCV000856925.1), dbSNP rs2527072656, ClinGen allele CA344952894.
Genomic context (GRCh38, chr1:235,805,957, plus strand): 5'-GCTGAAACTTCTTCCACATTTATGGAAGAAATATGCTGTAACTCTAATTTACCTAAACTG[T>C]CAGCACTCTTTTTTAGACTACCTAGTTCTGATGGTATGGGGTCACTTTTTATAGCCAAAG-3'
Protein context (NP_000072.2, residues 1050-1070): SELGSLKKSA[Asp1060Gly]SLGKLELQHI

ClinVar aggregate classification (germline): Uncertain significance (1 of 4 stars; one submission).

Conditions:
Chédiak-Higashi syndrome (CHS). Also called: Chediak-Higashi Syndrome. Identifiers: Orphanet 167, MedGen C0007965, MONDO:0008963, OMIM 214500.

Allele frequency attached by ClinVar (database versions not stated): gnomAD exomes 0.00001.
gnomAD v4.1: 5 of 1,613,842 alleles (0.00031%); highest among the groups gnomAD compares: Non-Finnish European, 0.00042%; no homozygotes.

Submission:

Labcorp Genetics (formerly Invitae), Labcorp
Classification: Uncertain significance for ChÃ©diak-Higashi syndrome. Last evaluated: 2019-02-13. Review status: criteria provided, single submitter. Criteria: Invitae Variant Classification Sherloc (09022015). Collection method: clinical testing. Allele origin: germline.
Comment: This sequence change replaces aspartic acid with glycine at codon 1060 of the LYST protein (p.Asp1060Gly). The aspartic acid residue is weakly conserved and there is a moderate physicochemical difference between aspartic acid and glycine. This variant is not present in population databases (ExAC no frequency). This variant has not been reported in the literature in individuals with LYST-related conditions. Algorithms developed to predict the effect of missense changes on protein structure and function output the following: SIFT: "Tolerated"; PolyPhen-2: "Benign"; Align-GVGD: "Class C0". The glycine amino acid residue is found in multiple mammalian species, suggesting that this missense change does not adversely affect protein function. These predictions have not been confirmed by published functional studies and their clinical significance is uncertain. In summary, the available evidence is currently insufficient to determine the role of this variant in disease. Therefore, it has been classified as a Variant of Uncertain Significance.